The following is an entry in ClinVar:

ClinVar aggregate classification (germline): Uncertain significance (1 of 4 stars; one submission).

Submission:

Labcorp Genetics (formerly Invitae), Labcorp
Classification: Uncertain significance. Last evaluated: 2021-02-19. Review status: criteria provided, single submitter. Criteria: Invitae Variant Classification Sherloc (09022015). Collection method: clinical testing. Allele origin: germline.
Comment: This sequence change replaces threonine with lysine at codon 374 of the GPC6 protein (p.Thr374Lys). The threonine residue is weakly conserved and there is a moderate physicochemical difference between threonine and lysine. This variant is not present in population databases (ExAC no frequency). This variant has not been reported in the literature in individuals with GPC6-related conditions. Algorithms developed to predict the effect of missense changes on protein structure and function are either unavailable or do not agree on the potential impact of this missense change (SIFT: "Tolerated"; PolyPhen-2: "Probably Damaging"; Align-GVGD: "Class C0"). In summary, the available evidence is currently insufficient to determine the role of this variant in disease. Therefore, it has been classified as a Variant of Uncertain Significance.

NM_005708.5(GPC6):c.1121C>A (p.Thr374Lys)

Gene: GPC6 (glypican 6; plus strand). Cytogenetic location: 13q31.3.
Variant type: single nucleotide variant.
Coding change: c.1121C>A on transcript NM_005708.5 (MANE Select); coding-DNA position 1121, C replaced by A.
Protein change: p.Thr374Lys; replaces threonine 374 with lysine.
Molecular consequence: missense variant.
Genome position (GRCh38, 1-based): chr13:94,306,092, C>A. VCF-style: chr13-94306092-C-A. GRCh37 (hg19) VCF-style: chr13-94958346-C-A.
Other names: short protein forms T374K.
Identifiers: ClinVar variation 1410655 (VCV001410655.8), dbSNP rs2139111634, ClinGen allele CA388466762.